The following is an entry in ClinVar:

ClinVar aggregate classification (germline): Likely pathogenic (1 of 4 stars; one submission).

Conditions:
Mitochondrial DNA depletion syndrome 11 (MTDPS11). Identifiers: Orphanet 352447, MedGen C3554462, MONDO:0014039, OMIM 615084.

Submission:

First Genomix Gene Laboratory, Genetic Diagnostics Department
Classification: Likely pathogenic for Mitochondrial DNA depletion syndrome 11. Last evaluated: 2025-01-14. Review status: criteria provided, single submitter. Criteria: ACMG Guidelines, 2015. Collection method: clinical testing. Allele origin: germline. Inheritance: Autosomal recessive inheritance. Affected: no. Observed: 1 variant allele.

NM_052865.4(MGME1):c.102_103del (p.Cys35fs)

Genes: MGME1 (mitochondrial genome maintenance exonuclease 1; plus strand), LOC126862983 (CDK7 strongly-dependent group 2 enhancer GRCh37_chr20:17950167-17951366; plus strand). Cytogenetic location: 20p11.23.
Variant type: Deletion.
Coding change: c.102_103del on transcript NM_052865.4 (MANE Select); coding-DNA positions 102 to 103, 2 bases deleted (AT; older notation c.102_103delAT).
Protein change: p.Cys35fs; shifts the reading frame from cysteine 35.
Molecular consequence: frameshift variant.
Genome position (GRCh38, 1-based): chr20:17,969,961-17,969,962, AT deleted. VCF-style (leftmost placement, unchanged base first): chr20-17969960-CAT-C. GRCh37 (hg19) VCF-style: chr20-17950603-CAT-C.
Other names: c.102_103del, p.Cys35fs (NM_001310338.2, NM_001310339.2, NM_001363738.2); c.102_103delAT (NM_052865.4); short protein forms C35fs.
Identifiers: ClinVar variation 4845682 (VCV004845682.1).